The following is an entry in ClinVar:

ClinVar aggregate classification (germline): Uncertain significance (1 of 4 stars; one submission).

gnomAD v4.1: 12 of 1,614,000 alleles (0.00074%); highest among the groups gnomAD compares: South Asian, 0.013%; no homozygotes.

Submission:

Labcorp Genetics (formerly Invitae), Labcorp
Classification: Uncertain significance. Last evaluated: 2026-01-25. Review status: criteria provided, single submitter. Criteria: Invitae Variant Classification Sherloc (09022015). Collection method: clinical testing. Allele origin: germline.
Comment: This sequence change replaces valine, which is neutral and non-polar, with methionine, which is neutral and non-polar, at codon 369 of the LRP5 protein (p.Val369Met). This variant is present in population databases (rs766293910, gnomAD 0.01%). This variant has not been reported in the literature in individuals affected with LRP5-related conditions. Invitae Evidence Modeling of protein sequence and biophysical properties (such as structural, functional, and spatial information, amino acid conservation, physicochemical variation, residue mobility, and thermodynamic stability) has been performed for this missense variant. However, the output from this modeling did not meet the statistical confidence thresholds required to predict the impact of this variant on LRP5 protein function. In summary, the available evidence is currently insufficient to determine the role of this variant in disease. Therefore, it has been classified as a Variant of Uncertain Significance.

NM_002335.4(LRP5):c.1105G>A (p.Val369Met)

Gene: LRP5 (LDL receptor related protein 5; plus strand). Cytogenetic location: 11q13.2.
Variant type: single nucleotide variant.
Coding change: c.1105G>A on transcript NM_002335.4 (MANE Select); coding-DNA position 1105, G replaced by A.
Protein change: p.Val369Met; replaces valine 369 with methionine.
Molecular consequence: missense variant. On other transcripts: 5 prime UTR variant (1).
Genome position (GRCh38, 1-based): chr11:68,386,405, G>A. VCF-style: chr11-68386405-G-A. GRCh37 (hg19) VCF-style: chr11-68153873-G-A.
Other names: c.-661G>A (NM_001291902.2); short protein forms V369M.
Identifiers: ClinVar variation 4812012 (VCV004812012.1).